The following is an entry in ClinVar:

NM_004415.4(DSP):c.4871T>C (p.Ile1624Thr)

Gene: DSP (desmoplakin; plus strand). Cytogenetic location: 6p24.3.
Variant type: single nucleotide variant.
Coding change: c.4871T>C on transcript NM_004415.4 (MANE Select); coding-DNA position 4871, T replaced by C.
Protein change: p.Ile1624Thr; replaces isoleucine 1624 with threonine.
Molecular consequence: missense variant. On other transcripts: intron variant (2).
Genome position (GRCh38, 1-based): chr6:7,581,061, T>C. VCF-style: chr6-7581061-T-C. GRCh37 (hg19) VCF-style: chr6-7581294-T-C.
Other names: c.4050+821T>C (NM_001319034.2); c.3582+1289T>C (NM_001008844.3); short protein forms I1624T.
Identifiers: ClinVar variation 926730 (VCV000926730.5), dbSNP rs771250599, ClinGen allele CA043201.
Genomic context (GRCh38, chr6:7,581,061, plus strand): 5'-CGCTGAAGGAGCAAGCCATCAAAATCACCAACCTGACCCAGCAGCTGGAGCAGGCATCCA[T>C]TGTTAAGAAGAGGAGTGAGGATGACCTCCGGCAGCAGAGGGACGTGCTGGATGGCCACCT-3'
Protein context (NP_004406.2, residues 1614-1634): NLTQQLEQAS[Ile1624Thr]VKKRSEDDLR

ClinVar aggregate classification (germline): Uncertain significance (1 of 4 stars; one submission).

Conditions:
Cardiomyopathy (CMYO). Also called: Cardiomyopathies. Identifiers: Orphanet 167848, MedGen C0878544, MONDO:0004994, HP:0001638. Inheritance: Various modes of inheritance.

Allele frequency attached by ClinVar (database versions not stated): gnomAD exomes 0.00001; ExAC 0.00002.
gnomAD v4.1: 4 of 1,613,870 alleles (0.00025%); highest among the groups gnomAD compares: Non-Finnish European, 0.00034%; no homozygotes.

Submission:

Color Diagnostics, LLC DBA Color Health
Classification: Uncertain significance for Cardiomyopathy. Last evaluated: 2023-12-04. Review status: criteria provided, single submitter. Criteria: ACMG Guidelines, 2015. Collection method: clinical testing. Allele origin: germline.
Comment: Variant of Uncertain Significance due to insufficient evidence: This missense variant replaces isoleucine with threonine at codon 1624 of the DSP protein. Computational prediction tools and conservation analyses are inconclusive regarding the impact of this variant on the protein function. Computational splicing tools suggest that this variant may not impact RNA splicing. To our knowledge, functional assays have not been performed for this variant nor has this variant been reported in individuals affected with cardiovascular disorders in the literature. This variant has been identified in 3/243984 chromosomes in the general population by the Genome Aggregation Database (gnomAD). Available evidence is insufficient to determine the role of this variant in disease conclusively.